The following is an entry in ClinVar:

NM_000216.4(ANOS1):c.495G>A (p.Ser165=)

Gene: ANOS1 (anosmin 1; minus strand). Cytogenetic location: Xp22.31.
Variant type: single nucleotide variant.
Coding change: c.495G>A on transcript NM_000216.4 (MANE Select); coding-DNA position 495, G replaced by A.
Protein change: p.Ser165=; no amino-acid change (serine 165 retained).
Molecular consequence: synonymous variant.
Genome position (GRCh38, 1-based): chrX:8,597,080, C>T on the plus strand (G>A on the coding strand, the complement: ANOS1 is on the minus strand). VCF-style: chrX-8597080-C-T. GRCh37 (hg19) VCF-style: chrX-8565121-C-T.
Identifiers: ClinVar variation 513449 (VCV000513449.2), dbSNP rs769454283, ClinGen allele CA10343796.

ClinVar aggregate classification (germline): Likely benign. Review status: criteria provided, multiple submitters, no conflicts (2 of 4 stars). 2 submissions from 2 submitters: Likely benign (2). Last evaluated 2019-12-02.

Allele frequency attached by ClinVar (database versions not stated): ExAC 0.00001; gnomAD exomes 0.00001.
gnomAD v4.1: 6 of 1,211,513 alleles (0.0005%); highest among the groups gnomAD compares: Middle Eastern, 0.023%; no homozygotes.

Submissions (2):

Blueprint Genetics
Classification: Likely benign. Last evaluated: 2019-12-02. Review status: criteria provided, single submitter. Criteria: ACMG Guidelines, 2015. Collection method: clinical testing. Allele origin: germline.

GeneDx
Classification: Likely benign. Last evaluated: 2017-11-16. Review status: criteria provided, single submitter. Criteria: GeneDx Variant Classification (06012015). Collection method: clinical testing. Allele origin: germline. Affected: yes.
Comment: This variant is considered likely benign or benign based on one or more of the following criteria: it is a conservative change, it occurs at a poorly conserved position in the protein, it is predicted to be benign by multiple in silico algorithms, and/or has population frequency not consistent with disease.